The following is an entry in ClinVar:

NM_001372.4(DNAH9):c.5500T>C (p.Tyr1834His)

Gene: DNAH9 (dynein axonemal heavy chain 9; plus strand). Cytogenetic location: 17p12.
Variant type: single nucleotide variant.
Coding change: c.5500T>C on transcript NM_001372.4 (MANE Select); coding-DNA position 5500, T replaced by C.
Protein change: p.Tyr1834His; replaces tyrosine 1834 with histidine.
Molecular consequence: missense variant.
Genome position (GRCh38, 1-based): chr17:11,705,133, T>C. VCF-style: chr17-11705133-T-C. GRCh37 (hg19) VCF-style: chr17-11608450-T-C.
Other names: short protein forms Y1834H.
Identifiers: ClinVar variation 1401264 (VCV001401264.8), dbSNP rs2150778469, ClinGen allele CA398185497.

ClinVar aggregate classification (germline): Uncertain significance (1 of 4 stars; one submission).

Submission:

Labcorp Genetics (formerly Invitae), Labcorp
Classification: Uncertain significance. Last evaluated: 2021-06-16. Review status: criteria provided, single submitter. Criteria: Invitae Variant Classification Sherloc (09022015). Collection method: clinical testing. Allele origin: germline.
Comment: In summary, the available evidence is currently insufficient to determine the role of this variant in disease. Therefore, it has been classified as a Variant of Uncertain Significance. Algorithms developed to predict the effect of missense changes on protein structure and function are either unavailable or do not agree on the potential impact of this missense change (SIFT: "Deleterious"; PolyPhen-2: "Possibly Damaging"; Align-GVGD: "Class C0"). This variant has not been reported in the literature in individuals with DNAH9-related conditions. This variant is not present in population databases (ExAC no frequency). This sequence change replaces tyrosine with histidine at codon 1834 of the DNAH9 protein (p.Tyr1834His). The tyrosine residue is moderately conserved and there is a moderate physicochemical difference between tyrosine and histidine.